The following is an entry in ClinVar:

ClinVar aggregate classification (germline): Conflicting classifications of pathogenicity. Review status: criteria provided, conflicting classifications (1 of 4 stars). 2 submissions from 2 submitters: Uncertain significance (1); Likely benign (1). Last evaluated 2023-06-17.

Submissions (2):

Ambry Genetics
Classification: Likely benign. Last evaluated: 2023-06-17. Review status: criteria provided, single submitter. Criteria: Ambry Variant Classification Scheme 2023. Collection method: clinical testing. Allele origin: germline.

Labcorp Genetics (formerly Invitae), Labcorp
Classification: Uncertain significance. Last evaluated: 2022-11-10. Review status: criteria provided, single submitter. Criteria: Invitae Variant Classification Sherloc (09022015). Collection method: clinical testing. Allele origin: germline.
Comment: This sequence change replaces phenylalanine, which is neutral and non-polar, with leucine, which is neutral and non-polar, at codon 125 of the ABRAXAS1 protein (p.Phe125Leu). This variant is not present in population databases (gnomAD no frequency). This variant has not been reported in the literature in individuals affected with ABRAXAS1-related conditions. Advanced modeling of protein sequence and biophysical properties (such as structural, functional, and spatial information, amino acid conservation, physicochemical variation, residue mobility, and thermodynamic stability) performed at Invitae indicates that this missense variant is not expected to disrupt ABRAXAS1 protein function. In summary, the available evidence is currently insufficient to determine the role of this variant in disease. Therefore, it has been classified as a Variant of Uncertain Significance.

NM_139076.3(ABRAXAS1):c.375T>G (p.Phe125Leu)

Gene: ABRAXAS1 (abraxas 1, BRCA1 A complex subunit; minus strand). Cytogenetic location: 4q21.23.
Variant type: single nucleotide variant.
Coding change: c.375T>G on transcript NM_139076.3 (MANE Select); coding-DNA position 375, T replaced by G.
Protein change: p.Phe125Leu; replaces phenylalanine 125 with leucine.
Molecular consequence: missense variant.
Genome position (GRCh38, 1-based): chr4:83,470,304, A>C on the plus strand (T>G on the coding strand, the complement: ABRAXAS1 is on the minus strand). VCF-style: chr4-83470304-A-C. GRCh37 (hg19) VCF-style: chr4-84391457-A-C.
Other names: c.48T>G, p.Phe16Leu (NM_001345962.2); short protein forms F16L, F125L.
Identifiers: ClinVar variation 2626300 (VCV002626300.5), dbSNP rs2529438150, ClinGen allele CA357259879.
Genomic context (GRCh38, chr4:83,470,304, plus strand): 5'-AGAGCAGCTTTCTGTTATTATACTTGGTGTTAATAGCAGAAAAACAAGGTCTTGGTTTGA[A>C]AAATGCTCCTGCAAGTTTTTGTGAAGCAGCCTCTCTCTAAACGTCATGATCTGATCTGAA-3'
Protein context (NP_620775.2, residues 115-135): RLLHKNLQEH[Phe125Leu]SNQDLVFLLL